The following is an entry in ClinVar:

ClinVar aggregate classification (germline): Benign/Likely benign. Review status: criteria provided, multiple submitters, no conflicts (2 of 4 stars). 4 submissions from 4 submitters: Benign (1); Likely benign (2). 1 of the submissions does not count toward it. Last evaluated 2026-01-06.

Conditions:
COL11A2-related disorder. Also called: COL11A2-related condition; COL11A2-related disorders.

Allele frequency attached by ClinVar (database versions not stated): ExAC 0.00009; TOPMed 0.00014; gnomAD 0.00015 and 0.00019; gnomAD exomes 0.00023; 1000 Genomes Project 30x 0.00047; 1000 Genomes Project 0.00060.
gnomAD v4.1: 98 of 1,556,794 alleles (0.0063%); highest among the groups gnomAD compares: East Asian, 0.16%; no homozygotes.

Submissions (4):

Labcorp Genetics (formerly Invitae), Labcorp
Classification: Benign. Last evaluated: 2026-01-06. Review status: criteria provided, single submitter. Criteria: Invitae Variant Classification Sherloc (09022015). Collection method: clinical testing. Allele origin: germline.

Blueprint Genetics
Classification: Likely benign. Last evaluated: 2024-05-16. Review status: criteria provided, single submitter. Criteria: ACMG Guidelines, 2015. Collection method: clinical testing. Allele origin: germline.

GeneDx
Classification: Likely benign. Last evaluated: 2021-01-19. Review status: criteria provided, single submitter. Criteria: GeneDx Variant Classification Process June 2021. Collection method: clinical testing. Allele origin: germline. Affected: yes.

PreventionGenetics, part of Exact Sciences
Classification: Likely benign for COL11A2-related condition. Last evaluated: 2020-05-22. Review status: no assertion criteria provided. Collection method: clinical testing. Allele origin: germline. Not counted in ClinVar's aggregate classification.
Comment: This variant is classified as likely benign based on ACMG/AMP sequence variant interpretation guidelines (Richards et al. 2015 PMID: 25741868, with internal and published modifications).

NM_080680.3(COL11A2):c.4860G>A (p.Thr1620=)

Gene: COL11A2 (collagen type XI alpha 2 chain; minus strand). Cytogenetic location: 6p21.32.
Variant type: single nucleotide variant.
Coding change: c.4860G>A on transcript NM_080680.3 (MANE Select); coding-DNA position 4860, G replaced by A.
Protein change: p.Thr1620=; no amino-acid change (threonine 1620 retained).
Molecular consequence: synonymous variant.
Genome position (GRCh38, 1-based): chr6:33,164,855, C>T on the plus strand (G>A on the coding strand, the complement: COL11A2 is on the minus strand). VCF-style: chr6-33164855-C-T. GRCh37 (hg19) VCF-style: chr6-33132632-C-T.
Other names: c.4539G>A, p.Thr1513= (NM_080679.3); c.4602G>A, p.Thr1534= (NM_080681.3).
Identifiers: ClinVar variation 1170925 (VCV001170925.14), dbSNP rs200099239, ClinGen allele CA3749985.